The following is an entry in ClinVar:

ClinVar aggregate classification (germline): Benign/Likely benign. Review status: criteria provided, multiple submitters, no conflicts (2 of 4 stars). 3 submissions from 3 submitters: Benign (1); Likely benign (2). Last evaluated 2024-11-06.

Conditions:
Hereditary diffuse gastric adenocarcinoma (HDGC). Also called: DIFFUSE GASTRIC AND LOBULAR BREAST CANCER SYNDROME. Identifiers: Orphanet 26106, MedGen C1708349, MONDO:0007648, OMIM 137215.
Hereditary cancer-predisposing syndrome. Also called: Tumor predisposition; Hereditary Cancer Syndrome; Neoplastic Syndromes, Hereditary; Hereditary neoplastic syndrome. Identifiers: Orphanet 140162, MedGen C0027672, MeSH D009386, MONDO:0015356.

Submissions (3):

Labcorp Genetics (formerly Invitae), Labcorp
Classification: Likely benign for Hereditary diffuse gastric adenocarcinoma. Last evaluated: 2024-11-06. Review status: criteria provided, single submitter. Criteria: Invitae Variant Classification Sherloc (09022015). Collection method: clinical testing. Allele origin: germline.

Myriad Genetics, Inc.
Classification: Benign for Hereditary diffuse gastric adenocarcinoma. Last evaluated: 2024-09-17. Review status: criteria provided, single submitter. Criteria: Myriad Autosomal Dominant, Autosomal Recessive and X-Linked Classification Criteria (2023). Collection method: clinical testing. Allele origin: unknown.
Comment: This variant is considered benign. This variant is a silent/synonymous amino acid change and it is not expected to impact splicing.

Ambry Genetics
Classification: Likely benign for Hereditary cancer-predisposing syndrome. Last evaluated: 2024-03-03. Review status: criteria provided, single submitter. Criteria: Ambry Variant Classification Scheme 2023. Collection method: clinical testing. Allele origin: germline.

NM_004360.5(CDH1):c.990C>G (p.Thr330=)

Gene: CDH1 (cadherin 1; plus strand). Cytogenetic location: 16q22.1.
Variant type: single nucleotide variant.
Coding change: c.990C>G on transcript NM_004360.5 (MANE Select); coding-DNA position 990, C replaced by G.
Protein change: p.Thr330=; no amino-acid change (threonine 330 retained).
Molecular consequence: synonymous variant. On other transcripts: 5 prime UTR variant (2).
Genome position (GRCh38, 1-based): chr16:68,811,841, C>G. VCF-style: chr16-68811841-C-G. GRCh37 (hg19) VCF-style: chr16-68845744-C-G.
Other names: c.990C>G, p.Thr330= (NM_001317184.2); c.-626C>G (NM_001317185.2); c.-830C>G (NM_001317186.2).
Identifiers: ClinVar variation 759720 (VCV000759720.11), dbSNP rs786203728, ClinGen allele CA496152975.